The following is an entry in ClinVar:

NM_000090.4(COL3A1):c.3911G>A (p.Ser1304Asn)

Gene: COL3A1 (collagen type III alpha 1 chain; plus strand). Cytogenetic location: 2q32.2.
Variant type: single nucleotide variant.
Coding change: c.3911G>A on transcript NM_000090.4 (MANE Select); coding-DNA position 3911, G replaced by A.
Protein change: p.Ser1304Asn; replaces serine 1304 with asparagine.
Molecular consequence: missense variant.
Genome position (GRCh38, 1-based): chr2:189,010,265, G>A. VCF-style: chr2-189010265-G-A. GRCh37 (hg19) VCF-style: chr2-189874991-G-A.
Other names: short protein forms S1304N.
Identifiers: ClinVar variation 4738212 (VCV004738212.1).

ClinVar aggregate classification (germline): Uncertain significance. Review status: criteria provided, multiple submitters, no conflicts (2 of 4 stars). 2 submissions from 2 submitters: Uncertain significance (2). Last evaluated 2025-11-10.

Conditions:
Ehlers-Danlos syndrome, type 4 (EDSVASC). Also called: Ehlers-Danlos syndrome vascular type; Ehlers Danlos syndrome, ecchymotic type; Ehlers Danlos syndrome, arterial type; Ehlers Danlos syndrome, Sack-Barabas type; Ehlers-Danlos Syndrome Type IV. Identifiers: Orphanet 286, MedGen C0268338, MONDO:0017314, OMIM 130050.
Familial thoracic aortic aneurysm and aortic dissection (TAAD). Also called: Thoracic aortic aneurysms and dissections. Identifiers: Orphanet 91387, MedGen C4707243, MONDO:0019625.

gnomAD v4.1: 3 of 1,614,196 alleles (0.00019%); highest among the groups gnomAD compares: East Asian, 0.0045%; no homozygotes.

Submissions (2):

Labcorp Genetics (formerly Invitae), Labcorp
Classification: Uncertain significance for Ehlers-Danlos syndrome, type 4. Last evaluated: 2025-11-10. Review status: criteria provided, single submitter. Criteria: Invitae Variant Classification Sherloc (09022015). Collection method: clinical testing. Allele origin: germline.
Comment: This sequence change replaces serine, which is neutral and polar, with asparagine, which is neutral and polar, at codon 1304 of the COL3A1 protein (p.Ser1304Asn). This variant is not present in population databases (gnomAD no frequency). This variant has not been reported in the literature in individuals affected with COL3A1-related conditions. Invitae Evidence Modeling of protein sequence and biophysical properties (such as structural, functional, and spatial information, amino acid conservation, physicochemical variation, residue mobility, and thermodynamic stability) indicates that this missense variant is not expected to disrupt COL3A1 protein function with a negative predictive value of 95%. In summary, the available evidence is currently insufficient to determine the role of this variant in disease. Therefore, it has been classified as a Variant of Uncertain Significance.

Color Diagnostics, LLC DBA Color Health
Classification: Uncertain significance for Familial thoracic aortic aneurysm and aortic dissection. Last evaluated: 2025-05-25. Review status: criteria provided, single submitter. Criteria: ACMG Guidelines, 2015. Collection method: clinical testing. Allele origin: germline.
Comment: This missense variant replaces serine with asparagine at codon 1304 of the COL3A1 protein. Computational prediction suggests that this variant may not impact protein structure and function. To our knowledge, functional studies have not been reported for this variant. This variant has not been reported in individuals affected with COL3A1-related disorders in the literature. This variant has not been identified in the general population by the Genome Aggregation Database (gnomAD). The available evidence is insufficient to determine the role of this variant in disease conclusively. Therefore, this variant is classified as a Variant of Uncertain Significance.